The following is an entry in ClinVar:

NM_000277.3(PAH):c.1218A>G (p.Ile406Met)

Gene: PAH (phenylalanine hydroxylase; minus strand). Cytogenetic location: 12q23.2.
Variant type: single nucleotide variant.
Coding change: c.1218A>G on transcript NM_000277.3 (MANE Select); coding-DNA position 1218, A replaced by G.
Protein change: p.Ile406Met; replaces isoleucine 406 with methionine.
Molecular consequence: missense variant.
Genome position (GRCh38, 1-based): chr12:102,840,497, T>C on the plus strand (A>G on the coding strand, the complement: PAH is on the minus strand). VCF-style: chr12-102840497-T-C. GRCh37 (hg19) VCF-style: chr12-103234275-T-C.
Other names: c.1218A>G, p.Ile406Met (NM_001354304.2); c.1218A>G (NM_000277.2); short protein forms I406M.
Identifiers: ClinVar variation 552907 (VCV000552907.23), dbSNP rs773526027, ClinGen allele CA6748708.

ClinVar aggregate classification (germline): Likely pathogenic. Review status: reviewed by expert panel (3 of 4 stars). 10 submissions from 10 submitters: Likely pathogenic (1). 9 of the submissions do not count toward it. Last evaluated 2018-12-09.

Conditions:
Phenylketonuria (PKU). Also called: Phenylketonurias; OLIGOPHRENIA PHENYLPYRUVICA; FOLLING DISEASE; Phenylketonuria (PKU). Identifiers: Orphanet 716, MedGen C0031485, MONDO:0009861, OMIM 261600. Disease mechanism: loss of function.
PAH-related disorder. Also called: PAH-related condition.

Allele frequency attached by ClinVar (database versions not stated): gnomAD 0.00002; gnomAD exomes 0.00001; TOPMed 0.00001; ExAC 0.00002.
gnomAD v4.1: 13 of 1,613,428 alleles (0.00081%); highest among the groups gnomAD compares: South Asian, 0.0011%; no homozygotes.

Submissions (10):

ClinGen PAH Variant Curation Expert Panel
Classification: Likely pathogenic for Phenylketonuria. Last evaluated: 2018-12-09. Review status: reviewed by expert panel. Criteria: ClinGen PAH ACMG Specifications v1. Collection method: curation. Allele origin: germline. Inheritance: Autosomal recessive inheritance.
Comment: The c.1218A>G (p.Ile406Met) variant in PAH is reported in 2 individuals with non-PKU HPA. BH4 assessment was not stated. It was detected with a known pathogenic variant, p.Arg408Trp. (PMID: 23357515) This variant has a low allele frequency in gnomAD and ExAC (MAF=0.00003) and is absent in 1000G. Computational evidence is discordant. Another missense change at this amino acid is interpreted as likely pathogenic by the PAH VCEP (p.I406T). In summary, this variant meets criteria to be classified as likely pathogenic for PAH. PAH-specific ACMG/AMP criteria applied: PM2, PM3, PM5, PP4.

GeneDx
Classification: Likely pathogenic. Last evaluated: 2026-04-10. Review status: criteria provided, single submitter. Criteria: GeneDx Variant Classification Process June 2021. Collection method: clinical testing. Allele origin: germline. Not counted in ClinVar's aggregate classification.
Comment: Has been described in association with mild hyperphenylalaninemia; however, clinical information was limited and it is unknown whether these individuals were screened for variants in other genes associated with hyperphenylalaninemia (PMID: 32668217, 35405047); Not observed at significant frequency in large population cohorts (gnomAD); In silico analysis suggests that this missense variant does not alter protein structure/function; This variant is associated with the following publications: (PMID: 39039323, 31230075, 23357515, 35355500, 35339094, 31208052, 35405047, 32668217, 36646061, 10234516)

Labcorp Genetics (formerly Invitae), Labcorp
Classification: Pathogenic for Phenylketonuria. Last evaluated: 2025-11-26. Review status: criteria provided, single submitter. Criteria: Invitae Variant Classification Sherloc (09022015). Collection method: clinical testing. Allele origin: germline. Not counted in ClinVar's aggregate classification.
Comment: This sequence change replaces isoleucine, which is neutral and non-polar, with methionine, which is neutral and non-polar, at codon 406 of the PAH protein (p.Ile406Met). This variant is present in population databases (rs773526027, gnomAD 0.002%). This missense change has been observed in individual(s) with PAH-related conditions (PMID: 23357515, 32668217). ClinVar contains an entry for this variant (Variation ID: 552907). Invitae Evidence Modeling of protein sequence and biophysical properties (such as structural, functional, and spatial information, amino acid conservation, physicochemical variation, residue mobility, and thermodynamic stability) indicates that this missense variant is not expected to disrupt PAH protein function with a negative predictive value of 80%. Experimental studies are conflicting or provide insufficient evidence to determine the effect of this variant on PAH function (PMID: 31208052). This variant disrupts the p.Ile406 amino acid residue in PAH. Other variant(s) that disrupt this residue have been determined to be pathogenic (PMID: 10234516, 32668217). This suggests that this residue is clinically significant, and that variants that disrupt this residue are likely to be disease-causing. For these reasons, this variant has been classified as Pathogenic.

Natera, Inc.
Classification: Likely pathogenic for Phenylketonuria. Last evaluated: 2025-04-03. Review status: criteria provided, single submitter. Criteria: Natera Variant Classification Schema (03/2026). Collection method: clinical testing. Allele origin: germline. Not counted in ClinVar's aggregate classification.
Comment: The c.1218A>G variant in PAH is a missense variant predicted to cause substitution of isoleucine to methionine at amino acid 406. This variant is rare in the general population with a frequency below the threshold expected for the associated phenotype(s). This variant has been observed in one or more individuals affected with the associated recessive disease, as either homozygous or compound heterozygous with a second variant (PMID: 30159852, 23357515). Computational prediction algorithms indicate this variant is likely to affect gene or protein function. Given the available evidence, this variant is classified as Likely Pathogenic.

Blueprint Genetics
Classification: Pathogenic for PAH-related disorders. Last evaluated: 2024-10-30. Review status: criteria provided, single submitter. Criteria: ACMG Guidelines, 2015. Collection method: clinical testing. Allele origin: germline. Affected: yes. Observed: 5 variant alleles. Not counted in ClinVar's aggregate classification.

Genome-Nilou Lab
Classification: Likely pathogenic for Phenylketonuria. Last evaluated: 2021-07-22. Review status: criteria provided, single submitter. Criteria: ACMG Guidelines, 2015. Collection method: clinical testing. Allele origin: germline. Affected: no. Not counted in ClinVar's aggregate classification.

Pars Genome Lab
Classification: Likely pathogenic for Phenylketonuria. Last evaluated: 2021-05-18. Review status: criteria provided, single submitter. Criteria: ACMG Guidelines, 2015. Collection method: clinical testing. Allele origin: germline. Affected: no. Not counted in ClinVar's aggregate classification.

Quest Diagnostics Nichols Institute San Juan Capistrano
Classification: Uncertain significance. Last evaluated: 2018-10-12. Review status: criteria provided, single submitter. Criteria: Quest Diagnostics criteria. Collection method: clinical testing. Allele origin: germline. Not counted in ClinVar's aggregate classification.

Kariminejad - Najmabadi Pathology & Genetics Center
Classification: Pathogenic for Phenylketonuria. Review status: criteria provided, single submitter. Criteria: ACMG Guidelines, 2015. Collection method: clinical testing. Allele origin: germline. Affected: no. Not counted in ClinVar's aggregate classification.

Counsyl
Classification: Uncertain significance for Phenylketonuria. Last evaluated: 2017-07-17. Review status: no assertion criteria provided. Collection method: clinical testing. Allele origin: unknown. Not counted in ClinVar's aggregate classification.

Literature cited by the submitters: PubMed 23357515 (cited by 5 submitters); PubMed 32668217 (cited by Labcorp Genetics (formerly Invitae), Labcorp); PubMed 31208052 (cited by Labcorp Genetics (formerly Invitae), Labcorp); PubMed 10234516 (cited by Labcorp Genetics (formerly Invitae), Labcorp); PubMed 30159852 (cited by Natera, Inc.).